The following is an entry in ClinVar:

ClinVar aggregate classification (germline): Uncertain significance (1 of 4 stars; one submission).

Conditions:
Intellectual disability, X-linked 102 (MRXSSB). Also called: Intellectual developmental disorder, X-linked syndromic, Snijders Blok type. Identifiers: Orphanet 457260, MedGen C5393299, MONDO:0010497, OMIM 300958.

Submission:

Juno Genomics, Hangzhou Juno Genomics, Inc
Classification: Uncertain significance for Intellectual disability, X-linked 102. Review status: criteria provided, single submitter. Criteria: ACMG Guidelines, 2015. Collection method: clinical testing. Allele origin: germline. Affected: yes.
Comment: Absent from controls (or at extremely low frequency if recessive) in Genome Aggregation Database, Exome Sequencing Project, 1000 Genomes Project, or Exome Aggregation Consortium.;Multiple lines of computational evidence support a deleterious effect on the gene or gene product (conservation, evolutionary, splicing impact, etc).;Patient's phenotype or family history is highly specific for a disease with a single genetic etiology.

NM_001356.5(DDX3X):c.1316-6C>G

Gene: DDX3X (DEAD-box helicase 3 X-linked; plus strand). Cytogenetic location: Xp11.4.
Variant type: single nucleotide variant.
Coding change: c.1316-6C>G on transcript NM_001356.5 (MANE Select); 6 bases into the intron before coding-DNA position 1316, C replaced by G.
Molecular consequence: intron variant.
Genome position (GRCh38, 1-based): chrX:41,346,223, C>G. VCF-style: chrX-41346223-C-G. GRCh37 (hg19) VCF-style: chrX-41205476-C-G.
Other names: c.1316-6C>G (NM_001193416.3); c.1268-6C>G (NM_001193417.3); c.758-6C>G (NM_001363819.1).
Identifiers: ClinVar variation 3764708 (VCV003764708.2).